The following is an entry in ClinVar:

NM_025114.4(CEP290):c.6497T>C (p.Ile2166Thr)

Gene: CEP290 (centrosomal protein 290; minus strand). Cytogenetic location: 12q21.32.
Variant type: single nucleotide variant.
Coding change: c.6497T>C on transcript NM_025114.4 (MANE Select); coding-DNA position 6497, T replaced by C.
Protein change: p.Ile2166Thr; replaces isoleucine 2166 with threonine.
Molecular consequence: missense variant.
Genome position (GRCh38, 1-based): chr12:88,060,855, A>G on the plus strand (T>C on the coding strand, the complement: CEP290 is on the minus strand). VCF-style: chr12-88060855-A-G. GRCh37 (hg19) VCF-style: chr12-88454632-A-G.
Other names: c.6497T>C (NM_025114.3); short protein forms I2166T.
Identifiers: ClinVar variation 2123090 (VCV002123090.2), dbSNP rs1242760376, ClinGen allele CA385978534.
Genomic context (GRCh38, chr12:88,060,855, plus strand): 5'-ATTCCCCTAAAAATGATCACATTAAAAAAAATTACCTTCAATTTTTCATTTTCCTGCTCA[A>G]TATTAGCCATTTTTTCACTAGTCAATATTCCTGATGCTTTTTTCAACTGTTCATTTTCTC-3'
Protein context (NP_079390.3, residues 2156-2176): GILTSEKMAN[Ile2166Thr]EQENEKLKAE

ClinVar aggregate classification (germline): Uncertain significance. Review status: criteria provided, single submitter (1 of 4 stars). 2 submissions from 2 submitters: Uncertain significance (1). 1 of the submissions does not count toward it. Last evaluated 2022-02-28.

Conditions:
Joubert syndrome. Also called: CEREBELLOPARENCHYMAL DISORDER IV; JOUBERT-BOLTSHAUSER SYNDROME; Familial aplasia of the vermis. Identifiers: Orphanet 475, MedGen C5979921, MONDO:0018772.
Nephronophthisis. Also called: Juvenile Nephronophthisis. Identifiers: Orphanet 655, MedGen C0687120, MONDO:0019005, HP:0000090.
Meckel-Gruber syndrome. Also called: DYSENCEPHALIA SPLANCHNOCYSTICA; GRUBER SYNDROME; Dysencephalia splachnocystica. Identifiers: Orphanet 564, MedGen C0265215, MONDO:0018921.
Leber congenital amaurosis (LCA). Also called: Leber's amaurosis. Identifiers: Orphanet 65, MedGen C0339527, MeSH D057130, MONDO:0018998.

Allele frequency attached by ClinVar (database versions not stated): gnomAD exomes below 0.00001.
gnomAD v4.1: 4 of 1,543,006 alleles (0.00026%); highest among the groups gnomAD compares: East Asian, 0.0048%; no homozygotes.

Submissions (2):

Labcorp Genetics (formerly Invitae), Labcorp
Classification: Uncertain significance for Joubert syndrome; Meckel-Gruber syndrome; Nephronophthisis. Last evaluated: 2022-02-28. Review status: criteria provided, single submitter. Criteria: Invitae Variant Classification Sherloc (09022015). Collection method: clinical testing. Allele origin: germline.
Comment: This sequence change replaces isoleucine, which is neutral and non-polar, with threonine, which is neutral and polar, at codon 2166 of the CEP290 protein (p.Ile2166Thr). The frequency data for this variant in the population databases is considered unreliable, as metrics indicate poor data quality at this position in the gnomAD database. This variant has not been reported in the literature in individuals affected with CEP290-related conditions. Algorithms developed to predict the effect of missense changes on protein structure and function are either unavailable or do not agree on the potential impact of this missense change (SIFT: "Deleterious"; PolyPhen-2: "Benign"; Align-GVGD: "Class C0"). In summary, the available evidence is currently insufficient to determine the role of this variant in disease. Therefore, it has been classified as a Variant of Uncertain Significance.

Natera, Inc.
Classification: Uncertain significance for Leber congenital amaurosis. Last evaluated: 2025-04-13. Review status: no assertion criteria provided. Collection method: clinical testing. Allele origin: germline. Not counted in ClinVar's aggregate classification.